The following is an entry in ClinVar:

ClinVar aggregate classification (germline): Uncertain significance (1 of 4 stars; one submission).

Submission:

Mayo Clinic Laboratories, Mayo Clinic
Classification: Uncertain significance. Last evaluated: 2022-12-07. Review status: criteria provided, single submitter. Criteria: ACMG Guidelines, 2015. Collection method: clinical testing. Allele origin: germline. Observed: 1 variant allele.
Comment: PM2_supporting

NM_000092.5(COL4A4):c.3986T>C (p.Phe1329Ser)

Gene: COL4A4 (collagen type IV alpha 4 chain; minus strand). Cytogenetic location: 2q36.3.
Variant type: single nucleotide variant.
Coding change: c.3986T>C on transcript NM_000092.5 (MANE Select); coding-DNA position 3986, T replaced by C.
Protein change: p.Phe1329Ser; replaces phenylalanine 1329 with serine.
Molecular consequence: missense variant.
Genome position (GRCh38, 1-based): chr2:227,027,997, A>G on the plus strand (T>C on the coding strand, the complement: COL4A4 is on the minus strand). VCF-style: chr2-227027997-A-G. GRCh37 (hg19) VCF-style: chr2-227892713-A-G.
Other names: p.Phe1329Ser; short protein forms F1329S.
Identifiers: ClinVar variation 2682816 (VCV002682816.1), dbSNP rs2473192519, ClinGen allele CA350837122.
Genomic context (GRCh38, chr2:227,027,997, plus strand): 5'-CCAGGTAAACCCTTCTCTCCAGGTGGCCCAGGAAATCCATGTGGTCCCTGCGGTCCCGGG[A>G]ATCCCACTGGTCCTTAAAAAAAAACAAAACATAAAAATGAGGGCACTGGAATGAGACAAG-3'
Protein context (NP_000083.3, residues 1319-1339): GKDGQKGPVG[Phe1329Ser]PGPQGPHGFP